The following is an entry in ClinVar:

NM_001317778.2(SFTPC):c.362G>C (p.Cys121Ser)

Gene: SFTPC (surfactant protein C; plus strand). Cytogenetic location: 8p21.3.
Variant type: single nucleotide variant.
Coding change: c.362G>C on transcript NM_001317778.2 (MANE Select); coding-DNA position 362, G replaced by C.
Protein change: p.Cys121Ser; replaces cysteine 121 with serine.
Molecular consequence: missense variant.
Genome position (GRCh38, 1-based): chr8:22,163,473, G>C. VCF-style: chr8-22163473-G-C. GRCh37 (hg19) VCF-style: chr8-22020986-G-C.
Other names: c.362G>C, p.Cys121Ser (NM_001317780.2, NM_001385653.1, NM_001172357.2 and 8 more transcripts); c.203G>C, p.Cys68Ser (NM_001317779.2, NM_001385660.1); short protein forms C68S, C121S.
Identifiers: ClinVar variation 1733396 (VCV001733396.2), dbSNP rs1195772231, ClinGen allele CA370537700.

ClinVar aggregate classification (germline): Uncertain significance (1 of 4 stars; one submission).

Conditions:
Hereditary pulmonary alveolar proteinosis. Also called: Pulmonary surfactant metabolism dysfunction. Identifiers: Orphanet 264675, MedGen C3711368, MONDO:0012580.

Submission:

Ambry Genetics
Classification: Uncertain significance for Hereditary pulmonary alveolar proteinosis. Last evaluated: 2018-01-22. Review status: criteria provided, single submitter. Criteria: Ambry Variant Classification Scheme 2023. Collection method: clinical testing. Allele origin: germline.
Comment: The p.C121S variant (also known as c.362G>C), located in coding exon 4 of the SFTPC gene, results from a G to C substitution at nucleotide position 362. The cysteine at codon 121 is replaced by serine, an amino acid with dissimilar properties. This amino acid position is highly conserved in available vertebrate species. In addition, this alteration is predicted to be deleterious by in silico analysis. Since supporting evidence is limited at this time, the clinical significance of this alteration remains unclear.